The following is an entry in ClinVar:

NM_206933.4(USH2A):c.486-1G>C

Gene: USH2A (usherin; minus strand). Cytogenetic location: 1q41.
Variant type: single nucleotide variant.
Coding change: c.486-1G>C on transcript NM_206933.4 (MANE Select); the canonical splice acceptor site of the intron before coding-DNA position 486, G replaced by C.
Molecular consequence: splice acceptor variant.
Genome position (GRCh38, 1-based): chr1:216,418,680, C>G on the plus strand (G>C on the coding strand, the complement: USH2A is on the minus strand). VCF-style: chr1-216418680-C-G. GRCh37 (hg19) VCF-style: chr1-216592022-C-G.
Other names: c.486-1G>C (NM_007123.6).
Identifiers: ClinVar variation 228413 (VCV000228413.24), dbSNP rs876657730, ClinGen allele CA10576390.

ClinVar aggregate classification (germline): Pathogenic. Review status: criteria provided, multiple submitters, no conflicts (2 of 4 stars). 9 submissions from 9 submitters: Pathogenic (7). 2 of the submissions do not count toward it. Last evaluated 2025-05-28.

Conditions:
Rare genetic deafness. Identifiers: Orphanet 96210, MedGen C5680250.
USH2A-related disorder. Also called: USH2A-related condition; USH2A-related disorders. Identifiers: MedGen CN239332.
Retinitis pigmentosa 39 (RP39). Identifiers: Orphanet 791, MedGen C3151138, MONDO:0013436, OMIM 613809.
Usher syndrome type 2A. Also called: RETINAL DISEASE IN USHER SYNDROME TYPE IIA, MODIFIER OF; USHER SYNDROME, TYPE IIA. Identifiers: Orphanet 231178, Orphanet 886, MedGen C1848634, MONDO:0010169, OMIM 276901.

Allele frequency attached by ClinVar (database versions not stated): gnomAD exomes below 0.00001.
gnomAD v4.1: 4 of 1,612,794 alleles (0.00025%); highest among the groups gnomAD compares: Middle Eastern, 0.05%; no homozygotes.

Submissions (9):

First Genomix Gene Laboratory, Genetic Diagnostics Department
Classification: Pathogenic for Retinitis pigmentosa 39; Usher syndrome type 2A. Last evaluated: 2025-05-28. Review status: criteria provided, single submitter. Criteria: ACMG Guidelines, 2015. Collection method: clinical testing. Allele origin: germline. Inheritance: Autosomal recessive inheritance. Affected: no. Observed: 1 variant allele.

Genomic Medicine Center of Excellence, King Faisal Specialist Hospital and Research Centre
Classification: Pathogenic for Usher syndrome type 2A. Last evaluated: 2024-03-17. Review status: criteria provided, single submitter. Criteria: ACMG Guidelines, 2015. Collection method: research. Allele origin: germline.

Blueprint Genetics
Classification: Pathogenic for USH2A-related disorders. Last evaluated: 2024-01-29. Review status: criteria provided, single submitter. Criteria: ACMG Guidelines, 2015. Collection method: clinical testing. Allele origin: germline. Affected: yes. Observed: 2 variant alleles.

Baylor Genetics
Classification: Pathogenic for Retinitis pigmentosa 39. Last evaluated: 2023-10-28. Review status: criteria provided, single submitter. Criteria: ACMG Guidelines, 2015. Collection method: clinical testing. Allele origin: unknown.

Labcorp Genetics (formerly Invitae), Labcorp
Classification: Pathogenic. Last evaluated: 2022-09-25. Review status: criteria provided, single submitter. Criteria: Invitae Variant Classification Sherloc (09022015). Collection method: clinical testing. Allele origin: germline.
Comment: For these reasons, this variant has been classified as Pathogenic. Algorithms developed to predict the effect of sequence changes on RNA splicing suggest that this variant may disrupt the consensus splice site. ClinVar contains an entry for this variant (Variation ID: 228413). Disruption of this splice site has been observed in individuals with USH2A-related conditions (PMID: 24154662, 32037395). This variant is present in population databases (no rsID available, gnomAD no frequency). This sequence change affects an acceptor splice site in intron 2 of the USH2A gene. It is expected to disrupt RNA splicing. Variants that disrupt the donor or acceptor splice site typically lead to a loss of protein function (PMID: 16199547), and loss-of-function variants in USH2A are known to be pathogenic (PMID: 10729113, 10909849, 20507924, 25649381).

GeneDx
Classification: Pathogenic. Last evaluated: 2017-11-28. Review status: criteria provided, single submitter. Criteria: GeneDx Variant Classification (06012015). Collection method: clinical testing. Allele origin: germline. Affected: yes.
Comment: The c.486-1 G>C splice site variant in the USH2A gene has been previously reported in association with Usher syndrome (Cremers et al., 2007; Neuhaus et al., 2017). This variant destroys the canonical splice acceptor site in intron 2, and is expected to cause abnormal gene splicing. The c.486-1 G>C variant is not observed in large population cohorts (Lek et al., 2016). Based on currently available evidence, we consider c.486-1G>C to be pathogenic.

Laboratory for Molecular Medicine, Mass General Brigham Personalized Medicine
Classification: Pathogenic for Rare genetic deafness. Last evaluated: 2015-11-19. Review status: criteria provided, single submitter. Criteria: LMM Criteria. Collection method: clinical testing. Allele origin: germline. Inheritance: Autosomal recessive inheritance. Observed: 1 variant allele.
Comment: The c.486-1G>C variant in USH2A has been reported in at least one individual wit h hearing loss (Cremers 2007), and was absent from large population studies. Thi s variant occurs in the invariant region (- 1,2) of the splice consensus sequenc e and is predicted to cause altered splicing leading to an abnormal or absent pr otein. Loss of function of the USH2A gene is an established disease mechanism in Usher syndrome. In summary, this variant meets our criteria to be classified as pathogenic for autosomal recessive Usher syndrome based on the predicted impact of the variant.

Natera, Inc.
Classification: Pathogenic for Usher syndrome type 2A. Last evaluated: 2020-08-27. Review status: no assertion criteria provided. Collection method: clinical testing. Allele origin: germline. Not counted in ClinVar's aggregate classification.

Counsyl
Classification: Likely pathogenic for Retinitis pigmentosa 39. Last evaluated: 2017-06-13. Review status: no assertion criteria provided. Collection method: clinical testing. Allele origin: unknown. Not counted in ClinVar's aggregate classification.

Literature cited by the submitters: PubMed 24154662 (cited by Labcorp Genetics (formerly Invitae), Labcorp); PubMed 32037395 (cited by Labcorp Genetics (formerly Invitae), Labcorp); PubMed 16199547 (cited by Labcorp Genetics (formerly Invitae), Labcorp); PubMed 10729113 (cited by Labcorp Genetics (formerly Invitae), Labcorp); PubMed 10909849 (cited by Labcorp Genetics (formerly Invitae), Labcorp); PubMed 20507924 (cited by Labcorp Genetics (formerly Invitae), Labcorp); PubMed 25649381 (cited by Labcorp Genetics (formerly Invitae), Labcorp); PubMed 25525159 (cited by Laboratory for Molecular Medicine, Mass General Brigham Personalized Medicine); PubMed 16963483 (cited by Laboratory for Molecular Medicine, Mass General Brigham Personalized Medicine and Counsyl).